The following is an entry in ClinVar:

ClinVar aggregate classification (germline): Likely pathogenic (1 of 4 stars; one submission).

Conditions:
Long chain 3-hydroxyacyl-CoA dehydrogenase deficiency. Also called: LCHAD Deficiency; Deficiency of long-chain 3-hydroxyacyl-coenzyme A dehydrogenase. Identifiers: Orphanet 5, MedGen C3711645, MONDO:0012173, OMIM 609016.

Submission:

Myriad Genetics, Inc.
Classification: Likely pathogenic for Long chain 3-hydroxyacyl-CoA dehydrogenase deficiency. Last evaluated: 2019-01-10. Review status: criteria provided, single submitter. Criteria: Myriad Autosomal Dominant, Autosomal Recessive and X-Linked Classification Criteria (2023). Collection method: clinical testing. Allele origin: unknown.
Comment: NM_000182.4(HADHA):c.960T>A(Y320*) is expected to be pathogenic in the context of HADHA-related disorders. This variant is predicted to lead to an abnormal or absent protein product due to the creation of a premature termination codon in HADHA, a gene where loss-of-function variants are known to be pathogenic. Please note: this variant was assessed in the context of healthy population screening.

NM_000182.5(HADHA):c.960T>A (p.Tyr320Ter)

Gene: HADHA (hydroxyacyl-CoA dehydrogenase trifunctional multienzyme complex subunit alpha; minus strand). Cytogenetic location: 2p23.3.
Variant type: single nucleotide variant.
Coding change: c.960T>A on transcript NM_000182.5 (MANE Select); coding-DNA position 960, T replaced by A.
Protein change: p.Tyr320Ter; replaces tyrosine 320 with a stop codon.
Molecular consequence: nonsense.
Genome position (GRCh38, 1-based): chr2:26,212,585, A>T on the plus strand (T>A on the coding strand, the complement: HADHA is on the minus strand). VCF-style: chr2-26212585-A-T. GRCh37 (hg19) VCF-style: chr2-26435454-A-T.
Other names: short protein forms Y320*.
Identifiers: ClinVar variation 983585 (VCV000983585.4), dbSNP rs1670128490, ClinGen allele CA346091072.